The following is an entry in ClinVar:

ClinVar aggregate classification (germline): Likely pathogenic (1 of 4 stars; one submission).

Conditions:
Mowat-Wilson syndrome (MOWS). Also called: Classic Mowat-Wilson Syndrome. Identifiers: Orphanet 2152, MedGen C1856113, MONDO:0009341, OMIM 235730.

Submission:

3billion
Classification: Likely pathogenic for Mowat-Wilson syndrome. Last evaluated: 2023-08-08. Review status: criteria provided, single submitter. Criteria: ACMG Guidelines, 2015. Collection method: clinical testing. Allele origin: germline. Affected: yes.
Comment: The variant is not observed in the gnomAD v2.1.1 dataset. Predicted Consequence/Location: Frameshift: predicted to result in a loss or disruption of normal protein function through nonsense-mediated decay (NMD) or protein truncation. Multiple pathogenic variants are reported downstream of the variant. Therefore, this variant is classified as Likely pathogenic according to the recommendation of ACMG/AMP guideline.

NM_014795.4(ZEB2):c.1993dup (p.Met665fs)

Gene: ZEB2 (zinc finger E-box binding homeobox 2; minus strand). Cytogenetic location: 2q22.3.
Variant type: Duplication.
Coding change: c.1993dup on transcript NM_014795.4 (MANE Select); coding-DNA position 1993, one base duplicated (A; older notation c.1993dupA).
Protein change: p.Met665fs; shifts the reading frame from methionine 665.
Molecular consequence: frameshift variant.
Genome position (GRCh38, 1-based): chr2:144,399,194, T duplicated on the plus strand (A on the coding strand, the reverse complement: ZEB2 is on the minus strand). VCF-style (leftmost placement, unchanged base first): chr2-144399193-A-AT. GRCh37 (hg19) VCF-style: chr2-145156760-A-AT.
Other names: c.1921dup, p.Met641fs (NM_001171653.2); short protein forms M641fs, M665fs.
Identifiers: ClinVar variation 3775838 (VCV003775838.1).